The following is an entry in ClinVar:

ClinVar aggregate classification (germline): Uncertain significance (1 of 4 stars; one submission).

gnomAD v4.1: 3 of 1,610,152 alleles (0.00019%); highest among the groups gnomAD compares: Non-Finnish European, 0.00025%; no homozygotes.

Submission:

Ambry Genetics
Classification: Uncertain significance. Last evaluated: 2025-06-12. Review status: criteria provided, single submitter. Criteria: Ambry Variant Classification Scheme 2023. Collection method: clinical testing. Allele origin: germline.
Comment: The p.T286P variant (also known as c.856A>C), located in coding exon 9 of the FAM175A gene, results from an A to C substitution at nucleotide position 856. The threonine at codon 286 is replaced by proline, an amino acid with highly similar properties. This amino acid position is conserved. In addition, the in silico prediction for this alteration is inconclusive. Since supporting evidence is limited at this time, the clinical significance of this alteration remains unclear.

NM_139076.3(ABRAXAS1):c.856A>C (p.Thr286Pro)

Gene: ABRAXAS1 (abraxas 1, BRCA1 A complex subunit; minus strand). Cytogenetic location: 4q21.23.
Variant type: single nucleotide variant.
Coding change: c.856A>C on transcript NM_139076.3 (MANE Select); coding-DNA position 856, A replaced by C.
Protein change: p.Thr286Pro; replaces threonine 286 with proline.
Molecular consequence: missense variant.
Genome position (GRCh38, 1-based): chr4:83,462,843, T>G on the plus strand (A>C on the coding strand, the complement: ABRAXAS1 is on the minus strand). VCF-style: chr4-83462843-T-G. GRCh37 (hg19) VCF-style: chr4-84383996-T-G.
Other names: c.529A>C, p.Thr177Pro (NM_001345962.2); short protein forms T286P, T177P.
Identifiers: ClinVar variation 2450281 (VCV002450281.3), dbSNP rs1722187297, ClinGen allele CA357256544.